The following is an entry in ClinVar:

ClinVar aggregate classification (germline): Uncertain significance (1 of 4 stars; one submission).

Conditions:
Fetal akinesia deformation sequence 1 (FADS1). Also called: Fetal akinesia sequence; Pena-Shokeir syndrome type I. Identifiers: Orphanet 994, MedGen C1276035, MONDO:0100101, OMIM 208150, HP:0001989.
Congenital myasthenic syndrome 10. Also called: Myasthenia, limb-girdle, familial. Identifiers: Orphanet 590, MedGen C1850792, MONDO:0009690, OMIM 254300.

Submission:

Labcorp Genetics (formerly Invitae), Labcorp
Classification: Uncertain significance for Congenital myasthenic syndrome 10; Fetal akinesia deformation sequence 1. Last evaluated: 2025-12-28. Review status: criteria provided, single submitter. Criteria: Invitae Variant Classification Sherloc (09022015). Collection method: clinical testing. Allele origin: germline.
Comment: This sequence change replaces leucine, which is neutral and non-polar, with phenylalanine, which is neutral and non-polar, at codon 498 of the DOK7 protein (p.Leu498Phe). This variant is present in population databases (no rsID available, gnomAD 0.003%). This variant has not been reported in the literature in individuals affected with DOK7-related conditions. Invitae Evidence Modeling of protein sequence and biophysical properties (such as structural, functional, and spatial information, amino acid conservation, physicochemical variation, residue mobility, and thermodynamic stability) indicates that this missense variant is not expected to disrupt DOK7 protein function with a negative predictive value of 80%. In summary, the available evidence is currently insufficient to determine the role of this variant in disease. Therefore, it has been classified as a Variant of Uncertain Significance.

NM_173660.5(DOK7):c.1492C>T (p.Leu498Phe)

Gene: DOK7 (docking protein 7; plus strand). Cytogenetic location: 4p16.3.
Variant type: single nucleotide variant.
Coding change: c.1492C>T on transcript NM_173660.5 (MANE Select); coding-DNA position 1492, C replaced by T.
Protein change: p.Leu498Phe; replaces leucine 498 with phenylalanine.
Molecular consequence: missense variant. On other transcripts: 3 prime UTR variant (1).
Genome position (GRCh38, 1-based): chr4:3,493,478, C>T. VCF-style: chr4-3493478-C-T. GRCh37 (hg19) VCF-style: chr4-3495205-C-T.
Other names: c.*713C>T (NM_001164673.2); c.562C>T, p.Leu188Phe (NM_001256896.2); c.1492C>T, p.Leu498Phe (NM_001301071.2); c.1060C>T, p.Leu354Phe (NM_001363811.2); short protein forms L498F, L188F, L354F.
Identifiers: ClinVar variation 4783095 (VCV004783095.1).
Genomic context (GRCh38, chr4:3,493,478, plus strand): 5'-GGCGGCCCCCACGCGGGGCCACCCCCGGCTTTCTTTTCGGCATGTCCAGTCTGTGGAGGA[C>T]TCAAGGTAAACCCCCCTCCTTGAGAGCCGCAGATCCCGCCCCGCGGCTGCAAAGGGGCTG-3'
Protein context (NP_775931.3, residues 488-504): FFSACPVCGG[Leu498Phe]KVNPPP